The following is an entry in ClinVar:

NM_138694.4(PKHD1):c.667+1G>T

Gene: PKHD1 (PKHD1 ciliary IPT domain containing fibrocystin/polyductin; minus strand). Cytogenetic location: 6p12.2.
Variant type: single nucleotide variant.
Coding change: c.667+1G>T on transcript NM_138694.4 (MANE Select); the canonical splice donor site of the intron after coding-DNA position 667, G replaced by T.
Molecular consequence: splice donor variant.
Genome position (GRCh38, 1-based): chr6:52,071,005, C>A on the plus strand (G>T on the coding strand, the complement: PKHD1 is on the minus strand). VCF-style: chr6-52071005-C-A. GRCh37 (hg19) VCF-style: chr6-51935803-C-A.
Other names: c.667+1G>T (NM_170724.3).
Identifiers: ClinVar variation 4816723 (VCV004816723.1).

ClinVar aggregate classification (germline): Likely pathogenic (1 of 4 stars; one submission).

Conditions:
Autosomal recessive polycystic kidney disease (ARPKD). Also called: AR polycystic kidney disease. Identifiers: Orphanet 731, Orphanet 8378, MedGen C0085548, MeSH D017044, MONDO:0009889.

gnomAD v4.1: 1 of 1,574,576 alleles (0.000064%); highest among the groups gnomAD compares: South Asian, 0.0011%; no homozygotes.

Submission:

Natera, Inc.
Classification: Likely pathogenic for Autosomal recessive polycystic kidney disease. Last evaluated: 2025-01-27. Review status: criteria provided, single submitter. Criteria: Natera Variant Classification Schema (03/2026). Collection method: clinical testing. Allele origin: germline.
Comment: The c.667+1G>T variant in PKHD1 is a canonical splice donor site variant predicted to affect pre-mRNA splicing, which may result in an abnormal transcript and altered protein product. This variant is expected to result in nonsense mediated decay, truncation, or a dysfunctional protein product. This variant is rare in the general population with a frequency below the threshold expected for the associated phenotype(s). Given the available evidence, this variant is classified as Likely Pathogenic.